The following is an entry in ClinVar:

ClinVar aggregate classification (germline): Uncertain significance (1 of 4 stars; one submission).

Conditions:
Epileptic encephalopathy. Identifiers: MedGen C0543888, HP:0200134.

Submission:

Labcorp Genetics (formerly Invitae), Labcorp
Classification: Uncertain significance for Epileptic encephalopathy. Last evaluated: 2024-04-01. Review status: criteria provided, single submitter. Criteria: Invitae Variant Classification Sherloc (09022015). Collection method: clinical testing. Allele origin: germline.
Comment: This sequence change replaces arginine, which is basic and polar, with lysine, which is basic and polar, at codon 1711 of the FASN protein (p.Arg1711Lys). This variant is not present in population databases (gnomAD no frequency). This variant has not been reported in the literature in individuals affected with FASN-related conditions. An algorithm developed to predict the effect of missense changes on protein structure and function (PolyPhen-2) suggests that this variant is likely to be disruptive. In summary, the available evidence is currently insufficient to determine the role of this variant in disease. Therefore, it has been classified as a Variant of Uncertain Significance.

NM_004104.5(FASN):c.5132G>A (p.Arg1711Lys)

Gene: FASN (fatty acid synthase; minus strand). Cytogenetic location: 17q25.3.
Variant type: single nucleotide variant.
Coding change: c.5132G>A on transcript NM_004104.5 (MANE Select); coding-DNA position 5132, G replaced by A.
Protein change: p.Arg1711Lys; replaces arginine 1711 with lysine.
Molecular consequence: missense variant.
Genome position (GRCh38, 1-based): chr17:82,083,858, C>T on the plus strand (G>A on the coding strand, the complement: FASN is on the minus strand). VCF-style: chr17-82083858-C-T. GRCh37 (hg19) VCF-style: chr17-80041734-C-T.
Other names: short protein forms R1711K.
Identifiers: ClinVar variation 3607393 (VCV003607393.2).